The following is an entry in ClinVar:

ClinVar aggregate classification (germline): Likely pathogenic (1 of 4 stars; one submission).

Conditions:
Wiedemann-Steiner syndrome (WDSTS). Also called: Growth deficiency and mental retardation with facial dysmorphism. Identifiers: Orphanet 319182, MedGen C1854630, MONDO:0011518, OMIM 605130.

Submission:

Laboratorio de Genetica e Diagnostico Molecular, Hospital Israelita Albert Einstein
Classification: Likely pathogenic for Wiedemann-Steiner syndrome. Last evaluated: 2023-02-17. Review status: criteria provided, single submitter. Criteria: ACMG Guidelines, 2015. Collection method: clinical testing. Allele origin: germline. Affected: yes.
Comment: ACMG classification criteria: PVS1 very strong, PM2 moderate

NM_001197104.2(KMT2A):c.126dup (p.Gly43fs)

Gene: KMT2A (lysine methyltransferase 2A; plus strand). Cytogenetic location: 11q23.3.
Variant type: Duplication.
Coding change: c.126dup on transcript NM_001197104.2 (MANE Select); coding-DNA position 126, one base duplicated (C; older notation c.126dupC).
Protein change: p.Gly43fs; shifts the reading frame from glycine 43.
Molecular consequence: frameshift variant.
Genome position (GRCh38, 1-based): chr11:118,436,638, C duplicated; the last of 6 consecutive C bases (chr11:118,436,633-118,436,638); duplicating any one gives the same sequence. VCF-style (leftmost placement, unchanged base first): chr11-118436632-T-TC. GRCh37 (hg19) VCF-style: chr11-118307347-T-TC.
Other names: c.126dup, p.Gly43fs (NM_001412597.1, NM_005933.4); short protein forms G43fs.
Identifiers: ClinVar variation 4056551 (VCV004056551.1).
Genomic context (GRCh38, chr11:118,436,632, plus strand): 5'-CGGCGGGGGGCGCCGGGGCCTAGGGGGCGCCCCGCGGCAACGCGTCCCGGCCCTGCTGCT[T>TC]CCCCCCGGGCCCCCGGTCGGCGGTGGCGGCCCCGGGGCGCCCCCCTCCCCCCCGGCTGTG-3'